The following is an entry in ClinVar:

NM_006922.4(SCN3A):c.3616A>C (p.Asn1206His)

Gene: SCN3A (sodium voltage-gated channel alpha subunit 3; minus strand). Cytogenetic location: 2q24.3.
Variant type: single nucleotide variant.
Coding change: c.3616A>C on transcript NM_006922.4 (MANE Select); coding-DNA position 3616, A replaced by C.
Protein change: p.Asn1206His; replaces asparagine 1206 with histidine.
Molecular consequence: missense variant.
Genome position (GRCh38, 1-based): chr2:165,113,869, T>G on the plus strand (A>C on the coding strand, the complement: SCN3A is on the minus strand). VCF-style: chr2-165113869-T-G. GRCh37 (hg19) VCF-style: chr2-165970379-T-G.
Other names: c.3469A>C, p.Asn1157His (NM_001081676.2, NM_001081677.2); short protein forms N1157H, N1206H.
Identifiers: ClinVar variation 4686460 (VCV004686460.1).

ClinVar aggregate classification (germline): Uncertain significance (1 of 4 stars; one submission).

Submission:

GeneDx
Classification: Uncertain significance. Last evaluated: 2025-07-14. Review status: criteria provided, single submitter. Criteria: GeneDx Variant Classification Process June 2021. Collection method: clinical testing. Allele origin: germline. Affected: yes.
Comment: Not observed at significant frequency in large population cohorts (gnomAD); In silico analysis supports that this missense variant has a deleterious effect on protein structure/function; Has not been previously published as pathogenic or benign to our knowledge